The following is an entry in ClinVar:

ClinVar aggregate classification (germline): Pathogenic (1 of 4 stars; one submission).

Conditions:
Lynch syndrome 5 (LYNCH5). Also called: Colorectal cancer, hereditary nonpolyposis, type 5; Hereditary non-polyposis colorectal cancer, type 5. Identifiers: Orphanet 144, MedGen C1833477, MONDO:0013710, OMIM 614350. Disease mechanism: loss of function.

Submission:

Myriad Genetics, Inc.
Classification: Pathogenic for Lynch syndrome 5. Last evaluated: 2023-08-11. Review status: criteria provided, single submitter. Criteria: Myriad Autosomal Dominant, Autosomal Recessive and X-Linked Classification Criteria (2023). Collection method: clinical testing. Allele origin: unknown.
Comment: This variant is considered pathogenic. This variant creates a frameshift predicted to result in premature protein truncation.

NM_000179.3(MSH6):c.1028dup (p.Gln344fs)

Gene: MSH6 (mutS homolog 6; plus strand). Cytogenetic location: 2p16.3.
Variant type: Duplication.
Coding change: c.1028dup on transcript NM_000179.3 (MANE Select); coding-DNA position 1028, one base duplicated (C; older notation c.1028dupC).
Protein change: p.Gln344fs; shifts the reading frame from glutamine 344.
Molecular consequence: frameshift variant. On other transcripts: non-coding transcript variant (4), intron variant (1).
Genome position (GRCh38, 1-based): chr2:47,799,011, C duplicated; the last of 4 consecutive C bases (chr2:47,799,008-47,799,011); duplicating any one gives the same sequence. VCF-style (leftmost placement, unchanged base first): chr2-47799007-G-GC. GRCh37 (hg19) VCF-style: chr2-48026146-G-GC.
Other names: c.638dup, p.Gln214fs (NM_001281492.2); c.122dup, p.Gln42fs (NM_001281493.2, NM_001281494.2, NM_001406811.1 and 6 more transcripts); c.1124dup, p.Gln376fs (NM_001406795.1, NM_001406802.1); c.1028dup, p.Gln344fs (NM_001406796.1, NM_001406798.1, NM_001406800.1 and 4 more transcripts); c.731dup, p.Gln245fs (NM_001406797.1, NM_001406801.1, NM_001406805.1 and 10 more transcripts); c.503dup, p.Gln169fs (NM_001406799.1, NM_001406806.1, NM_001406807.1); c.950dup, p.Gln318fs (NM_001406804.1); c.1034dup, p.Gln346fs (NM_001406813.1); and 2 more; short protein forms Q169fs, Q214fs, Q245fs, Q288fs, Q318fs, Q344fs, Q346fs, Q376fs.
Identifiers: ClinVar variation 2673689 (VCV002673689.1), dbSNP rs2530584442, ClinGen allele CA2695200540.